The following is an entry in ClinVar:

NM_001943.5(DSG2):c.326G>A (p.Gly109Glu)

Gene: DSG2 (desmoglein 2; plus strand). Cytogenetic location: 18q12.1.
Variant type: single nucleotide variant.
Coding change: c.326G>A on transcript NM_001943.5 (MANE Select); coding-DNA position 326, G replaced by A.
Protein change: p.Gly109Glu; replaces glycine 109 with glutamic acid.
Molecular consequence: missense variant.
Genome position (GRCh38, 1-based): chr18:31,520,912, G>A. VCF-style: chr18-31520912-G-A. GRCh37 (hg19) VCF-style: chr18-29100875-G-A.
Other names: short protein forms G109E.
Identifiers: ClinVar variation 3349865 (VCV003349865.3).
Genomic context (GRCh38, chr18:31,520,912, plus strand): 5'-ACACTGGAAAAGGGATTACAGAGCCACCTTTTGGTATATTTGTCTTTAACAAAGATACTG[G>A]AGAACTGAATGTTACCAGCATTCTTGATCGAGAAGAAACACCATTTTTTCTGGTAAGAAG-3'
Protein context (NP_001934.2, residues 99-119): FGIFVFNKDT[Gly109Glu]ELNVTSILDR

ClinVar aggregate classification (germline): Uncertain significance. Review status: criteria provided, single submitter (1 of 4 stars). 2 submissions from 2 submitters: Uncertain significance (1). 1 of the submissions does not count toward it. Last evaluated 2024-07-08.

Conditions:
DSG2-related disorder. Also called: DSG2-related condition.
Arrhythmogenic right ventricular dysplasia 10. Also called: Arrhythmogenic Right Ventricular Dysplasia/Cardiomyopathy10; ARRHYTHMOGENIC RIGHT VENTRICULAR DYSPLASIA, FAMILIAL, 10; Arrhythmogenic right ventricular dysplasia/cardiomyopathy, type 10. Identifiers: MedGen C1857777, MONDO:0012434, OMIM 610193.

Submissions (2):

Labcorp Genetics (formerly Invitae), Labcorp
Classification: Uncertain significance for Arrhythmogenic right ventricular dysplasia 10. Last evaluated: 2024-07-08. Review status: criteria provided, single submitter. Criteria: Invitae Variant Classification Sherloc (09022015). Collection method: clinical testing. Allele origin: germline.
Comment: This sequence change replaces glycine, which is neutral and non-polar, with glutamic acid, which is acidic and polar, at codon 109 of the DSG2 protein (p.Gly109Glu). This variant is not present in population databases (gnomAD no frequency). This variant has not been reported in the literature in individuals affected with DSG2-related conditions. Advanced modeling of protein sequence and biophysical properties (such as structural, functional, and spatial information, amino acid conservation, physicochemical variation, residue mobility, and thermodynamic stability) has been performed at Invitae for this missense variant, however the output from this modeling did not meet the statistical confidence thresholds required to predict the impact of this variant on DSG2 protein function. In summary, the available evidence is currently insufficient to determine the role of this variant in disease. Therefore, it has been classified as a Variant of Uncertain Significance.

PreventionGenetics, part of Exact Sciences
Classification: Uncertain significance for DSG2-related condition. Last evaluated: 2024-08-26. Review status: no assertion criteria provided. Collection method: clinical testing. Allele origin: germline. Not counted in ClinVar's aggregate classification.
Comment: The DSG2 c.326G>A variant is predicted to result in the amino acid substitution p.Gly109Glu. To our knowledge, this variant has not been reported in the literature or in a large population database, indicating this variant is rare. At this time, the clinical significance of this variant is uncertain due to the absence of conclusive functional and genetic evidence.